The following is an entry in ClinVar:

ClinVar aggregate classification (germline): Uncertain significance (1 of 4 stars; one submission).

Allele frequency attached by ClinVar (database versions not stated): TOPMed 0.00002; ExAC 0.00002; gnomAD 0.00002; gnomAD exomes 0.00002.
gnomAD v4.1: 26 of 1,210,170 alleles (0.0021%); highest among the groups gnomAD compares: South Asian, 0.0053%; no homozygotes.

Submission:

Labcorp Genetics (formerly Invitae), Labcorp
Classification: Uncertain significance. Last evaluated: 2024-08-14. Review status: criteria provided, single submitter. Criteria: Invitae Variant Classification Sherloc (09022015). Collection method: clinical testing. Allele origin: germline.
Comment: This sequence change replaces alanine, which is neutral and non-polar, with valine, which is neutral and non-polar, at codon 288 of the TLR7 protein (p.Ala288Val). This variant is present in population databases (rs200146658, gnomAD 0.008%). This missense change has been observed in individual(s) with TLR7-related conditions (PMID: 33650967, 34413140). ClinVar contains an entry for this variant (Variation ID: 1954668). An algorithm developed to predict the effect of missense changes on protein structure and function (PolyPhen-2) suggests that this variant¬†is likely to be tolerated. Experimental studies have shown that this missense change affects TLR7 function (PMID: 34413140). In summary, the available evidence is currently insufficient to determine the role of this variant in disease. Therefore, it has been classified as a Variant of Uncertain Significance.

Literature cited by the submitters: PubMed 33650967; PubMed 34413140.

NM_016562.4(TLR7):c.863C>T (p.Ala288Val)

Gene: TLR7 (toll like receptor 7; plus strand). Cytogenetic location: Xp22.2.
Variant type: single nucleotide variant.
Coding change: c.863C>T on transcript NM_016562.4 (MANE Select); coding-DNA position 863, C replaced by T.
Protein change: p.Ala288Val; replaces alanine 288 with valine.
Molecular consequence: missense variant.
Genome position (GRCh38, 1-based): chrX:12,886,371, C>T. VCF-style: chrX-12886371-C-T. GRCh37 (hg19) VCF-style: chrX-12904490-C-T.
Other names: short protein forms A288V.
Identifiers: ClinVar variation 1954668 (VCV001954668.4), dbSNP rs200146658, ClinGen allele CA10349972.